The following is an entry in ClinVar:

ClinVar aggregate classification (germline): Uncertain significance (1 of 4 stars; one submission).

Allele frequency attached by ClinVar (database versions not stated): gnomAD exomes below 0.00001 and 0.00001.
gnomAD v4.1: 5 of 1,613,254 alleles (0.00031%); highest among the groups gnomAD compares: South Asian, 0.0011%; no homozygotes.

Submission:

Labcorp Genetics (formerly Invitae), Labcorp
Classification: Uncertain significance. Last evaluated: 2021-05-10. Review status: criteria provided, single submitter. Criteria: Invitae Variant Classification Sherloc (09022015). Collection method: clinical testing. Allele origin: germline.
Comment: Algorithms developed to predict the effect of missense changes on protein structure and function are either unavailable or do not agree on the potential impact of this missense change (SIFT: "Deleterious"; PolyPhen-2: "Probably Damaging"; Align-GVGD: "Class C0"). This variant has not been reported in the literature in individuals with RAI1-related conditions. This variant is not present in population databases (ExAC no frequency). This sequence change replaces histidine with tyrosine at codon 297 of the RAI1 protein (p.His297Tyr). The histidine residue is highly conserved and there is a moderate physicochemical difference between histidine and tyrosine. In summary, the available evidence is currently insufficient to determine the role of this variant in disease. Therefore, it has been classified as a Variant of Uncertain Significance. Algorithms developed to predict the effect of sequence changes on RNA splicing suggest that this variant may create or strengthen a splice site, but this prediction has not been confirmed by published transcriptional studies.

NM_030665.4(RAI1):c.889C>T (p.His297Tyr)

Gene: RAI1 (retinoic acid induced 1; plus strand). Cytogenetic location: 17p11.2.
Variant type: single nucleotide variant.
Coding change: c.889C>T on transcript NM_030665.4 (MANE Select); coding-DNA position 889, C replaced by T.
Protein change: p.His297Tyr; replaces histidine 297 with tyrosine.
Molecular consequence: missense variant.
Genome position (GRCh38, 1-based): chr17:17,793,837, C>T. VCF-style: chr17-17793837-C-T. GRCh37 (hg19) VCF-style: chr17-17697151-C-T.
Other names: short protein forms H297Y.
Identifiers: ClinVar variation 1352711 (VCV001352711.8), dbSNP rs1190215285, ClinGen allele CA398546423.
Genomic context (GRCh38, chr17:17,793,837, plus strand): 5'-GACCAGCAGCAGCAGCAGCAGCAGCAGCAGCAGCAGCAGCAGCAAGCCCTTCAGAGCCGG[C>T]ACCATGCCCAGGAAACCCTCCATTACCAAAACCTCGCCAAGTATCAGCACTACGGGCAGC-3'
Protein context (NP_109590.3, residues 287-307): QQQQQALQSR[His297Tyr]HAQETLHYQN